The following is an entry in ClinVar:

ClinVar aggregate classification (germline): Uncertain significance (1 of 4 stars; one submission).

Conditions:
Neurofibromatosis, type 1 (NF1). Also called: Peripheral type neurofibromatosis; Neurofibromatosis, type I; NEUROFIBROMATOSIS, TYPE I, SOMATIC; VON RECKLINGHAUSEN DISEASE. Identifiers: Orphanet 636, MedGen C0027831, MONDO:0018975, OMIM 162200. Disease mechanism: loss of function.

Submission:

Labcorp Genetics (formerly Invitae), Labcorp
Classification: Uncertain significance for Neurofibromatosis, type 1. Last evaluated: 2021-02-18. Review status: criteria provided, single submitter. Criteria: Invitae Variant Classification Sherloc (09022015). Collection method: clinical testing. Allele origin: germline.
Comment: This variant is not present in population databases (ExAC no frequency). This sequence change replaces aspartic acid with asparagine at codon 2614 of the NF1 protein (p.Asp2614Asn). The aspartic acid residue is moderately conserved and there is a small physicochemical difference between aspartic acid and asparagine. This variant has not been reported in the literature in individuals with NF1-related conditions. In summary, the available evidence is currently insufficient to determine the role of this variant in disease. Therefore, it has been classified as a Variant of Uncertain Significance. Advanced modeling of protein sequence and biophysical properties (such as structural, functional, and spatial information, amino acid conservation, physicochemical variation, residue mobility, and thermodynamic stability) performed at Invitae indicates that this missense variant is not expected to disrupt NF1 protein function.

NM_001042492.3(NF1):c.7903G>A (p.Asp2635Asn)

Gene: NF1 (neurofibromin 1; plus strand). Cytogenetic location: 17q11.2.
Variant type: single nucleotide variant.
Coding change: c.7903G>A on transcript NM_001042492.3 (MANE Select); coding-DNA position 7903, G replaced by A.
Protein change: p.Asp2635Asn; replaces aspartic acid 2635 with asparagine.
Molecular consequence: missense variant.
Genome position (GRCh38, 1-based): chr17:31,357,302, G>A. VCF-style: chr17-31357302-G-A. GRCh37 (hg19) VCF-style: chr17-29684320-G-A.
Other names: c.7840G>A, p.Asp2614Asn (NM_000267.4); short protein forms D2614N, D2635N.
Identifiers: ClinVar variation 1373958 (VCV001373958.8), dbSNP rs2151583254, ClinGen allele CA399203423.
Genomic context (GRCh38, chr17:31,357,302, plus strand): 5'-TGTGTTTACTTTTTTGCATCTTGGCAGGCTACACTGGTAAAATATACCACAGATGAGTTT[G>A]ATCAACGAATTCTTTATGAATACTTAGCAGAGGCCAGTGTTGTGTTTCCCAAAGTCTTTC-3'
Protein context (NP_001035957.1, residues 2625-2645): TLVKYTTDEF[Asp2635Asn]QRILYEYLAE